The following is an entry in ClinVar:

ClinVar aggregate classification (germline): Uncertain significance (1 of 4 stars; one submission).

Conditions:
TTN-related disorder. Also called: TTN-related disorders; TTN-related condition; TTN-related disease.

gnomAD v4.1: 2 of 1,613,504 alleles (0.00012%); highest among the groups gnomAD compares: African/African-American, 0.0027%; no homozygotes.

Submission:

PreventionGenetics, part of Exact Sciences
Classification: Uncertain significance for TTN-related condition. Last evaluated: 2026-06-24. Review status: criteria provided, single submitter. Criteria: ACMG Guidelines, 2015. Collection method: clinical testing. Allele origin: germline.
Comment: The TTN c.79121A>G variant is predicted to result in the amino acid substitution p.Glu26374Gly. To our knowledge, this variant has not been reported in the literature or in a large population database (gnomAD), indicating this variant is rare. At this time, the clinical significance of this variant is uncertain due to the absence of conclusive functional and genetic evidence.

NM_001267550.2(TTN):c.79121A>G (p.Glu26374Gly)

Genes: TTN (titin; minus strand), TTN-AS1 (TTN antisense RNA 1; plus strand). Cytogenetic location: 2q31.2.
Variant type: single nucleotide variant.
Coding change: c.79121A>G on transcript NM_001267550.2 (MANE Select); coding-DNA position 79121, A replaced by G.
Protein change: p.Glu26374Gly; replaces glutamic acid 26374 with glycine.
Molecular consequence: missense variant.
Genome position (GRCh38, 1-based): chr2:178,567,011, T>C on the plus strand (A>G on the coding strand, the complement: TTN is on the minus strand). VCF-style: chr2-178567011-T-C. GRCh37 (hg19) VCF-style: chr2-179431738-T-C.
Other names: c.74198A>G, p.Glu24733Gly (NM_001256850.1); c.51926A>G, p.Glu17309Gly (NM_003319.4); c.71417A>G, p.Glu23806Gly (NM_133378.4); c.52301A>G, p.Glu17434Gly (NM_133432.3); c.52502A>G, p.Glu17501Gly (NM_133437.4); short protein forms E17434G, E23806G, E17309G, E17501G, E24733G, E26374G.
Identifiers: ClinVar variation 4987654 (VCV004987654.1).
Genomic context (GRCh38, chr2:178,567,011, plus strand): 5'-TCCAAGCTTTTTGGTGGTCCAGGAAGCACAAATGGATTTTTCATTAGTACTGGTGCAGAT[T>C]CCAAAGGCTCTCCAACACCATATTTGTTGACAGCCATTATACGGAAAACATATTCATTAC-3'
Protein context (NP_001254479.2, residues 26364-26384): VNKYGVGEPL[Glu26374Gly]SAPVLMKNPF